The following is an entry in ClinVar:

ClinVar aggregate classification (germline): Conflicting classifications of pathogenicity. Review status: criteria provided, conflicting classifications (1 of 4 stars). 7 submissions from 6 submitters: Uncertain significance (4); Likely benign (3). Last evaluated 2026-08-31.

Conditions:
LTBP2-related disorder. Also called: LTBP2-related disorders; LTBP2-related condition.
Weill-Marchesani syndrome. Also called: WM Syndrome; Mesodermal dysmorphodystrophy congenital. Identifiers: Orphanet 3449, MedGen C0265313, MONDO:0018096.
Glaucoma 3, primary congenital, D. Identifiers: Orphanet 98976, MedGen C2751316, MONDO:0013122, OMIM 613086.

Allele frequency attached by ClinVar (database versions not stated): 1000 Genomes Project 30x 0.00016; 1000 Genomes Project 0.00020; gnomAD exomes 0.00046 and 0.00067; ExAC 0.00052; TOPMed 0.00052; gnomAD 0.00053 and 0.00054; ESP Exome Variant Server 0.00108.
gnomAD v4.1: 1,052 of 1,612,060 alleles (0.065%); highest among the groups gnomAD compares: Non-Finnish European, 0.078%; no homozygotes.

Submissions (7):

PreventionGenetics, part of Exact Sciences
Classification: Likely benign for LTBP2-related condition. Last evaluated: 2026-08-31. Review status: criteria provided, single submitter. Criteria: ACMG Guidelines, 2015. Collection method: clinical testing. Allele origin: germline.
Comment: This variant is classified as likely benign based on ACMG/AMP sequence variant interpretation guidelines (Richards et al. 2015 PMID: 25741868, with internal and published modifications).

Labcorp Genetics (formerly Invitae), Labcorp
Classification: Likely benign. Last evaluated: 2026-02-01. Review status: criteria provided, single submitter. Criteria: Invitae Variant Classification Sherloc (09022015). Collection method: clinical testing. Allele origin: germline.

Blueprint Genetics
Classification: Uncertain significance. Last evaluated: 2024-09-20. Review status: criteria provided, single submitter. Criteria: ACMG Guidelines, 2015. Collection method: clinical testing. Allele origin: germline.

CeGaT Center for Human Genetics Tuebingen
Classification: Likely benign. Last evaluated: 2023-06-01. Review status: criteria provided, single submitter. Criteria: CeGaT Center For Human Genetics Tuebingen Variant Classification Criteria Version 2. Collection method: clinical testing. Allele origin: germline. Affected: yes. Observed: 1 variant allele.
Comment: LTBP2: BP4, BP7

GeneDx
Classification: Uncertain significance. Last evaluated: 2019-11-20. Review status: criteria provided, single submitter. Criteria: GeneDx Variant Classification Process June 2021. Collection method: clinical testing. Allele origin: germline. Affected: yes.
Comment: Has not been previously published as pathogenic or benign to our knowledge; In silico analysis, which includes splice predictors and evolutionary conservation, suggests this variant may impact gene splicing. In the absence of RNA/functional studies, the actual effect of this sequence change is unknown.

Illumina Laboratory Services, Illumina
Classification: Uncertain significance for Glaucoma 3, primary congenital, D. Last evaluated: 2018-01-13. Review status: criteria provided, single submitter. Criteria: ICSL Variant Classification Criteria 13 December 2019. Collection method: clinical testing. Allele origin: germline.

Illumina Laboratory Services, Illumina
Classification: Uncertain significance for Weill-Marchesani syndrome. Last evaluated: 2018-01-13. Review status: criteria provided, single submitter. Criteria: ICSL Variant Classification Criteria 13 December 2019. Collection method: clinical testing. Allele origin: germline.

NM_000428.3(LTBP2):c.2541A>G (p.Arg847=)

Gene: LTBP2 (latent transforming growth factor beta binding protein 2; minus strand). Cytogenetic location: 14q24.3.
Variant type: single nucleotide variant.
Coding change: c.2541A>G on transcript NM_000428.3 (MANE Select); coding-DNA position 2541, A replaced by G.
Protein change: p.Arg847=; no amino-acid change (arginine 847 retained).
Molecular consequence: synonymous variant.
Genome position (GRCh38, 1-based): chr14:74,522,908, T>C on the plus strand (A>G on the coding strand, the complement: LTBP2 is on the minus strand). VCF-style: chr14-74522908-T-C. GRCh37 (hg19) VCF-style: chr14-74989611-T-C.
Identifiers: ClinVar variation 314299 (VCV000314299.45), dbSNP rs140719298, ClinGen allele CA7269464.